The following is an entry in ClinVar:

ClinVar aggregate classification (germline): Uncertain significance. Review status: criteria provided, multiple submitters, no conflicts (2 of 4 stars). 2 submissions from 2 submitters: Uncertain significance (2). Last evaluated 2024-04-16.

gnomAD v4.1: 1 of 1,612,768 alleles (0.000062%); no homozygotes.

Submissions (2):

GeneDx
Classification: Uncertain significance. Last evaluated: 2024-04-16. Review status: criteria provided, single submitter. Criteria: GeneDx Variant Classification Process June 2021. Collection method: clinical testing. Allele origin: germline. Affected: yes.
Comment: Not observed at significant frequency in large population cohorts (gnomAD); In silico analysis supports that this missense variant has a deleterious effect on protein structure/function; Has not been previously published as pathogenic or benign to our knowledge; Variants in candidate genes are classified as variants of uncertain significance in accordance with ACMG guidelines (PMID: 25741868)

Labcorp Genetics (formerly Invitae), Labcorp
Classification: Uncertain significance. Last evaluated: 2021-08-10. Review status: criteria provided, single submitter. Criteria: Invitae Variant Classification Sherloc (09022015). Collection method: clinical testing. Allele origin: germline.
Comment: In summary, the available evidence is currently insufficient to determine the role of this variant in disease. Therefore, it has been classified as a Variant of Uncertain Significance. Algorithms developed to predict the effect of missense changes on protein structure and function are either unavailable or do not agree on the potential impact of this missense change (SIFT: "Deleterious"; PolyPhen-2: "Not Available"; Align-GVGD: "Class C0"). This variant has not been reported in the literature in individuals affected with PCLO-related conditions. This variant is not present in population databases (ExAC no frequency). This sequence change replaces arginine with isoleucine at codon 4471 of the PCLO protein (p.Arg4471Ile). The arginine residue is moderately conserved and there is a moderate physicochemical difference between arginine and isoleucine.

NM_033026.6(PCLO):c.13412G>T (p.Arg4471Ile)

Gene: PCLO (piccolo presynaptic cytomatrix protein; minus strand). Cytogenetic location: 7q21.11.
Variant type: single nucleotide variant.
Coding change: c.13412G>T on transcript NM_033026.6 (MANE Select); coding-DNA position 13412, G replaced by T.
Protein change: p.Arg4471Ile; replaces arginine 4471 with isoleucine.
Molecular consequence: missense variant.
Genome position (GRCh38, 1-based): chr7:82,908,902, C>A on the plus strand (G>T on the coding strand, the complement: PCLO is on the minus strand). VCF-style: chr7-82908902-C-A. GRCh37 (hg19) VCF-style: chr7-82538218-C-A.
Other names: c.13412G>T, p.Arg4471Ile (NM_014510.3); c.13412G>T (NM_033026.5); short protein forms R4471I.
Identifiers: ClinVar variation 1350179 (VCV001350179.6), dbSNP rs2116229887, ClinGen allele CA367880742.
Genomic context (GRCh38, chr7:82,908,902, plus strand): 5'-TAAATCTAAAAGAAATTGCTAAATATAGCACTTACTTGCTCTTGATGTTGACTGAGTGGT[C>A]TAGAGTGGACCAATCTTTCCGGCAGTTTTCGGTCCAGACCATGTCCATTTTCCAAACGAG-3'
Protein context (NP_149015.2, residues 4461-4481): RKLPERLVHS[Arg4471Ile]PLSQHQEQII